The following is an entry in ClinVar:

NM_000026.4(ADSL):c.853C>T (p.Gln285Ter)

Gene: ADSL (adenylosuccinate lyase; plus strand). Cytogenetic location: 22q13.1.
Variant type: single nucleotide variant.
Coding change: c.853C>T on transcript NM_000026.4 (MANE Select); coding-DNA position 853, C replaced by T.
Protein change: p.Gln285Ter; replaces glutamine 285 with a stop codon.
Molecular consequence: nonsense. On other transcripts: non-coding transcript variant (1).
Genome position (GRCh38, 1-based): chr22:40,361,333, C>T. VCF-style: chr22-40361333-C-T. GRCh37 (hg19) VCF-style: chr22-40757337-C-T.
Other names: p.Q285*:CAG>TAG; c.853C>T, p.Gln285Ter (NM_001123378.3, NM_001363840.3); c.661C>T, p.Gln221Ter (NM_001317923.2); short protein forms Q285*, Q221*.
Identifiers: ClinVar variation 204788 (VCV000204788.2), dbSNP rs796052246, ClinGen allele CA313097.
Genomic context (GRCh38, chr22:40,361,333, plus strand): 5'-ATTTGCACCGACATACGCCTCCTGGCAAACCTCAAGGAGATGGAGGAACCCTTTGAAAAA[C>T]AGCAGATTGGTGAGTGCTGTGTAGAGACCTGTGAGCACACATTGCTGCTGGAAGGCTGTG-3'

ClinVar aggregate classification (germline): Pathogenic (1 of 4 stars; one submission).

Submission:

GeneDx
Classification: Pathogenic. Last evaluated: 2012-09-14. Review status: criteria provided, single submitter. Criteria: GeneDx Variant Classification (06012015). Collection method: clinical testing. Allele origin: germline. Affected: yes.
Comment: p.Gln285Stop (CAG>TAG):c.853 C>T in exon 8 of the ADSL gene (NM_000026.2) The Gln285Stop nonsense mutation in the ADSL gene is predicted to cause loss of normal protein function either through protein truncation or nonsense-mediated mRNA decay. Although this mutation has not been reported previously to our knowledge, it is considered a disease-causing mutation. The variant is found in EPILEPSY panel(s).